The following is an entry in ClinVar:

ClinVar aggregate classification (germline): Uncertain significance (1 of 4 stars; one submission).

Conditions:
Methylcobalamin deficiency type cblE (HMAE). Also called: HOMOCYSTINURIA-MEGALOBLASTIC ANEMIA, cblE TYPE; VITAMIN B12-RESPONSIVE HOMOCYSTINURIA, cblE TYPE; HOMOCYSTINURIA-MEGALOBLASTIC ANEMIA, cblE COMPLEMENTATION TYPE. Identifiers: Orphanet 2169, Orphanet 622, MedGen C1856057, MONDO:0009354, OMIM 236270.

Allele frequency attached by ClinVar (database versions not stated): gnomAD 0.00001.
gnomAD v4.1: 1 of 1,613,742 alleles (0.000062%); highest among the groups gnomAD compares: African/African-American, 0.0013%; no homozygotes.

Submission:

Labcorp Genetics (formerly Invitae), Labcorp
Classification: Uncertain significance for Methylcobalamin deficiency type cblE. Last evaluated: 2022-08-19. Review status: criteria provided, single submitter. Criteria: Invitae Variant Classification Sherloc (09022015). Collection method: clinical testing. Allele origin: germline.
Comment: In summary, the available evidence is currently insufficient to determine the role of this variant in disease. Therefore, it has been classified as a Variant of Uncertain Significance. Algorithms developed to predict the effect of sequence changes on RNA splicing suggest that this variant may disrupt the consensus splice site. Algorithms developed to predict the effect of missense changes on protein structure and function (SIFT, PolyPhen-2, Align-GVGD) all suggest that this variant is likely to be tolerated. This variant has not been reported in the literature in individuals affected with MTRR-related conditions. This variant is not present in population databases (gnomAD no frequency). This sequence change replaces arginine, which is basic and polar, with glycine, which is neutral and non-polar, at codon 590 of the MTRR protein (p.Arg590Gly).

NM_002454.3(MTRR):c.1768A>G (p.Arg590Gly)

Gene: MTRR (5-methyltetrahydrofolate-homocysteine methyltransferase reductase; plus strand). Cytogenetic location: 5p15.31.
Variant type: single nucleotide variant.
Coding change: c.1768A>G on transcript NM_002454.3 (MANE Select); coding-DNA position 1768, A replaced by G.
Protein change: p.Arg590Gly; replaces arginine 590 with glycine.
Molecular consequence: missense variant. On other transcripts: non-coding transcript variant (14).
Genome position (GRCh38, 1-based): chr5:7,896,955, A>G. VCF-style: chr5-7896955-A-G. GRCh37 (hg19) VCF-style: chr5-7897068-A-G.
Other names: c.1768A>G, p.Arg590Gly (NM_001364440.2, NM_001364441.2, NM_001364442.2 and 1 more transcripts); short protein forms R590G.
Identifiers: ClinVar variation 2111158 (VCV002111158.4), dbSNP rs1738627181, ClinGen allele CA359159644.